The following is an entry in ClinVar:

ClinVar aggregate classification (germline): Uncertain significance (1 of 4 stars; one submission).

Conditions:
Perlman syndrome (PRLMNS). Identifiers: Orphanet 2849, MedGen C0796113, MONDO:0009965, OMIM 267000.

Allele frequency attached by ClinVar (database versions not stated): gnomAD exomes below 0.00001; ExAC 0.00001.
gnomAD v4.1: 5 of 1,613,794 alleles (0.00031%); highest among the groups gnomAD compares: South Asian, 0.0044%; no homozygotes.

Submission:

Labcorp Genetics (formerly Invitae), Labcorp
Classification: Uncertain significance for Perlman syndrome. Last evaluated: 2023-11-15. Review status: criteria provided, single submitter. Criteria: Invitae Variant Classification Sherloc (09022015). Collection method: clinical testing. Allele origin: germline.
Comment: This sequence change replaces alanine, which is neutral and non-polar, with threonine, which is neutral and polar, at codon 136 of the DIS3L2 protein (p.Ala136Thr). This variant is present in population databases (rs764787643, gnomAD 0.0009%). This variant has not been reported in the literature in individuals affected with DIS3L2-related conditions. Algorithms developed to predict the effect of missense changes on protein structure and function output the following: SIFT: "Not Available"; PolyPhen-2: "Benign"; Align-GVGD: "Not Available". The threonine amino acid residue is found in multiple mammalian species, which suggests that this missense change does not adversely affect protein function. In summary, the available evidence is currently insufficient to determine the role of this variant in disease. Therefore, it has been classified as a Variant of Uncertain Significance.

NM_152383.5(DIS3L2):c.406G>A (p.Ala136Thr)

Gene: DIS3L2 (DIS3 like 3'-5' exoribonuclease 2; plus strand). Cytogenetic location: 2q37.1.
Variant type: single nucleotide variant.
Coding change: c.406G>A on transcript NM_152383.5 (MANE Select); coding-DNA position 406, G replaced by A.
Protein change: p.Ala136Thr; replaces alanine 136 with threonine.
Molecular consequence: missense variant. On other transcripts: non-coding transcript variant (2).
Genome position (GRCh38, 1-based): chr2:232,087,526, G>A. VCF-style: chr2-232087526-G-A. GRCh37 (hg19) VCF-style: chr2-232952236-G-A.
Other names: c.406G>A, p.Ala136Thr (NM_001257281.2, NM_001257282.2); short protein forms A136T.
Identifiers: ClinVar variation 2847380 (VCV002847380.3), dbSNP rs764787643, ClinGen allele CA2163820.